The following is an entry in ClinVar:

NM_001004334.4(GPR179):c.4283G>A (p.Cys1428Tyr)

Gene: GPR179 (G protein-coupled receptor 179; minus strand). Cytogenetic location: 17q12.
Variant type: single nucleotide variant.
Coding change: c.4283G>A on transcript NM_001004334.4 (MANE Select); coding-DNA position 4283, G replaced by A.
Protein change: p.Cys1428Tyr; replaces cysteine 1428 with tyrosine.
Molecular consequence: missense variant.
Genome position (GRCh38, 1-based): chr17:38,329,286, C>T on the plus strand (G>A on the coding strand, the complement: GPR179 is on the minus strand). VCF-style: chr17-38329286-C-T. GRCh37 (hg19) VCF-style: chr17-36485169-C-T.
Other names: short protein forms C1428Y.
Identifiers: ClinVar variation 1503766 (VCV001503766.6), dbSNP rs909327151, ClinGen allele CA290104284.

ClinVar aggregate classification (germline): Uncertain significance. Review status: criteria provided, multiple submitters, no conflicts (2 of 4 stars). 2 submissions from 2 submitters: Uncertain significance (2). Last evaluated 2024-10-25.

Allele frequency attached by ClinVar (database versions not stated): gnomAD exomes below 0.00001; gnomAD 0.00001; TOPMed 0.00002.

Submissions (2):

Labcorp Genetics (formerly Invitae), Labcorp
Classification: Uncertain significance. Last evaluated: 2024-10-25. Review status: criteria provided, single submitter. Criteria: Invitae Variant Classification Sherloc (09022015). Collection method: clinical testing. Allele origin: germline.
Comment: This sequence change replaces cysteine, which is neutral and slightly polar, with tyrosine, which is neutral and polar, at codon 1428 of the GPR179 protein (p.Cys1428Tyr). This variant is not present in population databases (gnomAD no frequency). This variant has not been reported in the literature in individuals affected with GPR179-related conditions. ClinVar contains an entry for this variant (Variation ID: 1503766). An algorithm developed to predict the effect of missense changes on protein structure and function (PolyPhen-2) suggests that this variant is likely to be disruptive. In summary, the available evidence is currently insufficient to determine the role of this variant in disease. Therefore, it has been classified as a Variant of Uncertain Significance.

Blueprint Genetics
Classification: Uncertain significance. Last evaluated: 2017-09-27. Review status: criteria provided, single submitter. Criteria: ACMG Guidelines, 2015. Collection method: clinical testing. Allele origin: germline.